The following is an entry in ClinVar:

NM_024642.5(GALNT12):c.1534G>C (p.Gly512Arg)

Gene: GALNT12 (polypeptide N-acetylgalactosaminyltransferase 12; plus strand). Cytogenetic location: 9q22.33.
Variant type: single nucleotide variant.
Coding change: c.1534G>C on transcript NM_024642.5 (MANE Select); coding-DNA position 1534, G replaced by C.
Protein change: p.Gly512Arg; replaces glycine 512 with arginine.
Molecular consequence: missense variant.
Genome position (GRCh38, 1-based): chr9:98,846,052, G>C. VCF-style: chr9-98846052-G-C. GRCh37 (hg19) VCF-style: chr9-101608334-G-C.
Other names: short protein forms G512R.
Identifiers: ClinVar variation 1774701 (VCV001774701.2), dbSNP rs2490557659, ClinGen allele CA374221751.

ClinVar aggregate classification (germline): Uncertain significance (1 of 4 stars; one submission).

Submission:

Ambry Genetics
Classification: Uncertain significance. Last evaluated: 2022-10-24. Review status: criteria provided, single submitter. Criteria: Ambry Variant Classification Scheme 2023. Collection method: clinical testing. Allele origin: germline.
Comment: The p.G512R variant (also known as c.1534G>C), located in coding exon 9 of the GALNT12 gene, results from a G to C substitution at nucleotide position 1534. The glycine at codon 512 is replaced by arginine, an amino acid with dissimilar properties. This amino acid position is conserved. In addition, this alteration is predicted to be tolerated by in silico analysis. Since supporting evidence is limited at this time, the clinical significance of this alteration remains unclear.